The following is an entry in ClinVar:

ClinVar aggregate classification (germline): Benign (1 of 4 stars; one submission).

Allele frequency attached by ClinVar (database versions not stated): gnomAD exomes 0.01438; gnomAD 0.01786.
gnomAD v4.1: 10,355 of 709,792 alleles (1.5%); highest among the groups gnomAD compares: Admixed American, 4.1%; 1,167 homozygotes.

Submission:

Unidad de Genómica Garrahan, Hospital de Pediatría Garrahan
Classification: Benign. Last evaluated: 2023-11-12. Review status: criteria provided, single submitter. Criteria: ACMG Guidelines, 2015. Collection method: clinical testing. Allele origin: germline. Affected: no. Observed: 21 variant alleles.
Comment: This variant is classified as Benign based on local population frequency. This variant was detected in 22% of patients studied by a panel of primary immunodeficiencies. Number of patients: 21. Only high quality variants are reported.

NM_001243133.2(NLRP3):c.2322-82G>A

Gene: NLRP3 (NLR family pyrin domain containing 3; plus strand). Cytogenetic location: 1q44.
Variant type: single nucleotide variant.
Coding change: c.2322-82G>A on transcript NM_001243133.2 (MANE Select); 82 bases into the intron before coding-DNA position 2322, G replaced by A.
Molecular consequence: intron variant.
Genome position (GRCh38, 1-based): chr1:247,434,021, G>A. VCF-style: chr1-247434021-G-A. GRCh37 (hg19) VCF-style: chr1-247597323-G-A.
Other names: c.2328-82G>A (NM_004895.5); c.2322-82G>A (NM_001127461.3, NM_001079821.3); c.2151-82G>A (NM_001127462.3, NM_183395.3).
Identifiers: ClinVar variation 2628283 (VCV002628283.2), dbSNP rs10925021, ClinGen allele CA40703622.